The following is an entry in ClinVar:

ClinVar aggregate classification (germline): Conflicting classifications of pathogenicity. Review status: criteria provided, conflicting classifications (1 of 4 stars). 3 submissions from 3 submitters: Uncertain significance (2); Likely benign (1). Last evaluated 2023-02-27.

Conditions:
Autosomal recessive limb-girdle muscular dystrophy type R18 (LGMDR18). Also called: Autosomal recessive limb-girdle muscular dystrophy type 2S; Limb-girdle muscular dystrophy, type 2S; MUSCULAR DYSTROPHY, LIMB-GIRDLE, AUTOSOMAL RECESSIVE 18. Identifiers: Orphanet 369840, MedGen C4517996, MONDO:0014144, OMIM 615356.

Allele frequency attached by ClinVar (database versions not stated): gnomAD exomes 0.00003 and 0.00006; ExAC 0.00004; gnomAD 0.00004 and 0.00005; TOPMed 0.00008; ESP Exome Variant Server 0.00015.

Submissions (3):

Revvity Omics, Revvity
Classification: Uncertain significance for Autosomal recessive limb-girdle muscular dystrophy type R18. Last evaluated: 2023-02-27. Review status: criteria provided, single submitter. Criteria: ACMG Guidelines, 2015. Collection method: clinical testing. Allele origin: germline.

Labcorp Genetics (formerly Invitae), Labcorp
Classification: Uncertain significance for Autosomal recessive limb-girdle muscular dystrophy type R18. Last evaluated: 2022-08-31. Review status: criteria provided, single submitter. Criteria: Invitae Variant Classification Sherloc (09022015). Collection method: clinical testing. Allele origin: germline.
Comment: This sequence change falls in intron 6 of the TRAPPC11 gene. It does not directly change the encoded amino acid sequence of the TRAPPC11 protein. It affects a nucleotide within the consensus splice site. The frequency data for this variant in the population databases is considered unreliable, as metrics indicate poor data quality at this position in the gnomAD database. This variant has not been reported in the literature in individuals affected with TRAPPC11-related conditions. ClinVar contains an entry for this variant (Variation ID: 581960). Variants that disrupt the consensus splice site are a relatively common cause of aberrant splicing (PMID: 17576681, 9536098). Algorithms developed to predict the effect of sequence changes on RNA splicing suggest that this variant may disrupt the consensus splice site. In summary, the available evidence is currently insufficient to determine the role of this variant in disease. Therefore, it has been classified as a Variant of Uncertain Significance.

GeneDx
Classification: Likely benign. Last evaluated: 2019-06-04. Review status: criteria provided, single submitter. Criteria: GeneDx Variant Classification Process June 2021. Collection method: clinical testing. Allele origin: germline. Affected: yes.

Literature cited by the submitters: PubMed 17576681 (cited by Labcorp Genetics (formerly Invitae), Labcorp); PubMed 9536098 (cited by Labcorp Genetics (formerly Invitae), Labcorp).

NM_021942.6(TRAPPC11):c.660+3G>A

Gene: TRAPPC11 (trafficking protein particle complex subunit 11; plus strand). Cytogenetic location: 4q35.1.
Variant type: single nucleotide variant.
Coding change: c.660+3G>A on transcript NM_021942.6 (MANE Select); 3 bases into the intron after coding-DNA position 660, G replaced by A.
Molecular consequence: intron variant.
Genome position (GRCh38, 1-based): chr4:183,674,815, G>A. VCF-style: chr4-183674815-G-A. GRCh37 (hg19) VCF-style: chr4-184595968-G-A.
Other names: c.660+3G>A (NM_199053.3).
Identifiers: ClinVar variation 581960 (VCV000581960.10), dbSNP rs377549138, ClinGen allele CA3151643.